The following is an entry in ClinVar:

ClinVar aggregate classification (germline): Uncertain significance. Review status: criteria provided, multiple submitters, no conflicts (2 of 4 stars). 2 submissions from 2 submitters: Uncertain significance (2). Last evaluated 2025-06-24.

Conditions:
Inborn genetic diseases. Identifiers: MedGen C0950123, MeSH D030342.

Allele frequency attached by ClinVar (database versions not stated): gnomAD exomes below 0.00001.
gnomAD v4.1: 4 of 1,614,204 alleles (0.00025%); highest among the groups gnomAD compares: Non-Finnish European, 0.00034%; 1 homozygote.

Submissions (2):

Ambry Genetics
Classification: Uncertain significance for Inborn genetic diseases. Last evaluated: 2025-06-24. Review status: criteria provided, single submitter. Criteria: Ambry Variant Classification Scheme 2023. Collection method: clinical testing. Allele origin: germline.

Labcorp Genetics (formerly Invitae), Labcorp
Classification: Uncertain significance. Last evaluated: 2023-05-26. Review status: criteria provided, single submitter. Criteria: Invitae Variant Classification Sherloc (09022015). Collection method: clinical testing. Allele origin: germline.
Comment: In summary, the available evidence is currently insufficient to determine the role of this variant in disease. Therefore, it has been classified as a Variant of Uncertain Significance. Experimental studies and prediction algorithms are not available or were not evaluated, and the functional significance of this variant is currently unknown. This variant has not been reported in the literature in individuals affected with NEFH-related conditions. This variant is not present in population databases (gnomAD no frequency). This sequence change replaces tyrosine, which is neutral and polar, with histidine, which is basic and polar, at codon 385 of the NEFH protein (p.Tyr385His).

NM_021076.4(NEFH):c.1153T>C (p.Tyr385His)

Gene: NEFH (neurofilament heavy chain; plus strand). Cytogenetic location: 22q12.2.
Variant type: single nucleotide variant.
Coding change: c.1153T>C on transcript NM_021076.4 (MANE Select); coding-DNA position 1153, T replaced by C.
Protein change: p.Tyr385His; replaces tyrosine 385 with histidine.
Molecular consequence: missense variant.
Genome position (GRCh38, 1-based): chr22:29,485,792, T>C. VCF-style: chr22-29485792-T-C. GRCh37 (hg19) VCF-style: chr22-29881781-T-C.
Other names: c.1153T>C (NM_021076.3); short protein forms Y385H.
Identifiers: ClinVar variation 2993783 (VCV002993783.4), dbSNP rs2517974004, ClinGen allele CA411127101.